The following is an entry in ClinVar:

ClinVar aggregate classification (germline): Uncertain significance (1 of 4 stars; one submission).

Allele frequency attached by ClinVar (database versions not stated): ESP Exome Variant Server 0.00008; TOPMed 0.00008; gnomAD 0.00009; 1000 Genomes Project 30x 0.00016; ExAC 0.00029.
gnomAD v4.1: 121 of 1,588,340 alleles (0.0076%); highest among the groups gnomAD compares: South Asian, 0.025%; no homozygotes.

Submission:

Labcorp Genetics (formerly Invitae), Labcorp
Classification: Uncertain significance. Last evaluated: 2025-12-15. Review status: criteria provided, single submitter. Criteria: Invitae Variant Classification Sherloc (09022015). Collection method: clinical testing. Allele origin: germline.
Comment: This sequence change replaces valine, which is neutral and non-polar, with methionine, which is neutral and non-polar, at codon 146 of the FSCN2 protein (p.Val146Met). This variant is present in population databases (rs372751268, gnomAD 0.03%). This variant has not been reported in the literature in individuals affected with FSCN2-related conditions. ClinVar contains an entry for this variant (Variation ID: 1040587). An algorithm developed to predict the effect of missense changes on protein structure and function (PolyPhen-2) suggests that this variant is likely to be tolerated. In summary, the available evidence is currently insufficient to determine the role of this variant in disease. Therefore, it has been classified as a Variant of Uncertain Significance.

NM_012418.4(FSCN2):c.436G>A (p.Val146Met)

Gene: FSCN2 (fascin actin-bundling protein 2, retinal; plus strand). Cytogenetic location: 17q25.3.
Variant type: single nucleotide variant.
Coding change: c.436G>A on transcript NM_012418.4 (MANE Select); coding-DNA position 436, G replaced by A.
Protein change: p.Val146Met; replaces valine 146 with methionine.
Molecular consequence: missense variant.
Genome position (GRCh38, 1-based): chr17:81,528,967, G>A. VCF-style: chr17-81528967-G-A. GRCh37 (hg19) VCF-style: chr17-79495993-G-A.
Other names: c.436G>A, p.Val146Met (NM_001077182.3); short protein forms V146M.
Identifiers: ClinVar variation 1040587 (VCV001040587.7), dbSNP rs372751268, ClinGen allele CA8836677.